The following is an entry in ClinVar:

NC_000014.9:g.(?_67813976)_(67815973_?)del

Gene: ZFYVE26 (zinc finger FYVE-type containing 26; minus strand). Cytogenetic location: 14q24.1.
Variant type: Deletion.
Identifiers: ClinVar variation 832671 (VCV000832671.1).

ClinVar aggregate classification (germline): Pathogenic (1 of 4 stars; one submission).

Conditions:
Spastic paraplegia. Identifiers: MedGen C0037772, HP:0001258.

Submission:

Labcorp Genetics (formerly Invitae), Labcorp
Classification: Pathogenic for Spastic paraplegia. Last evaluated: 2019-07-01. Review status: criteria provided, single submitter. Criteria: Invitae Variant Classification Sherloc (09022015). Collection method: clinical testing. Allele origin: germline.
Comment: This variant is a gross deletion of the genomic region encompassing exons 2-3 of the ZFYVE26 gene, which includes the initiator codon. The 5' end of this event is unknown as it extends beyond the assayed region for this gene and therefore may encompass additional genes. The 3' boundary is likely confined to intron 3 of the ZFYVE26 gene. This is expected to result in an absent or disrupted protein product. This variant has not been reported in the literature in individuals with ZFYVE26-related conditions. Loss-of-function variants in ZFYVE26 are known to be pathogenic (PMID: 18394578, 19805727). For these reasons, this variant has been classified as Pathogenic.